The following is an entry in ClinVar:

NM_001029883.3(PCARE):c.279C>T (p.Ile93=)

Gene: PCARE (photoreceptor cilium actin regulator; minus strand). Cytogenetic location: 2p23.2.
Variant type: single nucleotide variant.
Coding change: c.279C>T on transcript NM_001029883.3 (MANE Select); coding-DNA position 279, C replaced by T.
Protein change: p.Ile93=; no amino-acid change (isoleucine 93 retained).
Molecular consequence: synonymous variant.
Genome position (GRCh38, 1-based): chr2:29,073,983, G>A on the plus strand (C>T on the coding strand, the complement: PCARE is on the minus strand). VCF-style: chr2-29073983-G-A. GRCh37 (hg19) VCF-style: chr2-29296849-G-A.
Other names: c.279C>T (NM_001029883.2).
Identifiers: ClinVar variation 1669040 (VCV001669040.10), dbSNP rs199898935, ClinGen allele CA1592683.

ClinVar aggregate classification (germline): Likely benign. Review status: criteria provided, multiple submitters, no conflicts (2 of 4 stars). 3 submissions from 3 submitters: Likely benign (3). Last evaluated 2026-01-05.

Conditions:
PCARE-related disorder. Also called: PCARE-related condition.

Allele frequency attached by ClinVar (database versions not stated): gnomAD exomes 0.00001; ExAC 0.00002; TOPMed 0.00004; gnomAD 0.00006 and 0.00007; ESP Exome Variant Server 0.00008; 1000 Genomes Project 30x 0.00016; 1000 Genomes Project 0.00020.

Submissions (3):

Labcorp Genetics (formerly Invitae), Labcorp
Classification: Likely benign. Last evaluated: 2026-01-05. Review status: criteria provided, single submitter. Criteria: Invitae Variant Classification Sherloc (09022015). Collection method: clinical testing. Allele origin: germline.

PreventionGenetics, part of Exact Sciences
Classification: Likely benign for PCARE-related condition. Last evaluated: 2025-12-02. Review status: criteria provided, single submitter. Criteria: ACMG Guidelines, 2015. Collection method: clinical testing. Allele origin: germline.
Comment: This variant is classified as likely benign based on ACMG/AMP sequence variant interpretation guidelines (Richards et al. 2015 PMID: 25741868, with internal and published modifications).

Blueprint Genetics
Classification: Likely benign. Last evaluated: 2021-08-17. Review status: criteria provided, single submitter. Criteria: ACMG Guidelines, 2015. Collection method: clinical testing. Allele origin: germline.